The following is an entry in ClinVar:

NM_000202.8(IDS):c.1391G>C (p.Ser464Thr)

Gene: IDS (iduronate 2-sulfatase; minus strand). Cytogenetic location: Xq28.
Variant type: single nucleotide variant.
Coding change: c.1391G>C on transcript NM_000202.8 (MANE Select); coding-DNA position 1391, G replaced by C.
Protein change: p.Ser464Thr; replaces serine 464 with threonine.
Molecular consequence: missense variant.
Genome position (GRCh38, 1-based): chrX:149,483,008, C>G on the plus strand (G>C on the coding strand, the complement: IDS is on the minus strand). VCF-style: chrX-149483008-C-G. GRCh37 (hg19) VCF-style: chrX-148564539-C-G.
Other names: c.1121G>C, p.Ser374Thr (NM_001166550.4); short protein forms S374T, S464T.
Identifiers: ClinVar variation 4535580 (VCV004535580.1).

ClinVar aggregate classification (germline): Uncertain significance (1 of 4 stars; one submission).

Submission:

Women's Health and Genetics/Laboratory Corporation of America, LabCorp
Classification: Uncertain significance. Last evaluated: 2025-09-11. Review status: criteria provided, single submitter. Criteria: LabCorp Variant Classification Summary - May 2015. Collection method: clinical testing. Allele origin: germline.
Comment: Variant summary: IDS c.1391G>C (p.Ser464Thr) results in a conservative amino acid change in the encoded protein sequence. Algorithms developed to predict the effect of missense changes on protein structure and function are either unavailable or do not agree on the potential impact of this missense change. The variant was absent in 183221 control chromosomes. The available data on variant occurrences in the general population are insufficient to allow any conclusion about variant significance. To our knowledge, no occurrence of c.1391G>C in individuals affected with IDS-related conditions and no experimental evidence demonstrating its impact on protein function have been reported. No submitters have cited clinical-significance assessments for this variant to ClinVar. Based on the evidence outlined above, the variant was classified as uncertain significance.